The following is an entry in ClinVar:

NM_000431.4(MVK):c.438C>T (p.Ser146=)

Gene: MVK (mevalonate kinase; plus strand). Cytogenetic location: 12q24.11.
Variant type: single nucleotide variant.
Coding change: c.438C>T on transcript NM_000431.4 (MANE Select); coding-DNA position 438, C replaced by T.
Protein change: p.Ser146=; no amino-acid change (serine 146 retained).
Molecular consequence: synonymous variant. On other transcripts: intron variant (1).
Genome position (GRCh38, 1-based): chr12:109,581,461, C>T. VCF-style: chr12-109581461-C-T. GRCh37 (hg19) VCF-style: chr12-110019266-C-T.
Other names: c.438C>T (NM_000431.3); c.438C>T, p.Ser146= (NM_001114185.3); c.371+1515C>T (NM_001301182.2).
Identifiers: ClinVar variation 1644290 (VCV001644290.9), dbSNP rs777499296, ClinGen allele CA6779259.

ClinVar aggregate classification (germline): Likely benign. Review status: criteria provided, multiple submitters, no conflicts (2 of 4 stars). 2 submissions from 2 submitters: Likely benign (2). Last evaluated 2026-02-25.

Conditions:
MVK-related disorder. Also called: MVK-related disorders; MVK-related condition. Identifiers: MedGen CN239294.
Porokeratosis 3, disseminated superficial actinic type (POROK3). Also called: POROKERATOSIS 3, MULTIPLE TYPES; POROKERATOSIS 3, MIBELLI TYPE; POROKERATOSIS, DISSEMINATED SUPERFICIAL ACTINIC, 1. Identifiers: MedGen C1867981, MONDO:0008293, OMIM 175900.
Mevalonic aciduria (MEVA). Identifiers: Orphanet 29, MedGen C1959626, MONDO:0012481, OMIM 610377.
Hyperimmunoglobulin D with periodic fever (HIDS). Also called: HYPERIMMUNOGLOBULINEMIA D AND PERIODIC FEVER SYNDROME; Hyperimmunoglobulinemia D with periodic fever; Hyperimmunoglobulinemia D. Identifiers: Orphanet 343, MedGen C0398691, MONDO:0009849, OMIM 260920.

Allele frequency attached by ClinVar (database versions not stated): gnomAD 0.00001; gnomAD exomes 0.00001 and 0.00003; TOPMed 0.00001; ExAC 0.00002.
gnomAD v4.1: 18 of 1,614,054 alleles (0.0011%); highest among the groups gnomAD compares: East Asian, 0.0067%; no homozygotes.

Submissions (2):

PreventionGenetics, part of Exact Sciences
Classification: Likely benign for MVK-related condition. Last evaluated: 2026-02-25. Review status: criteria provided, single submitter. Criteria: ACMG Guidelines, 2015. Collection method: clinical testing. Allele origin: germline.
Comment: This variant is classified as likely benign based on ACMG/AMP sequence variant interpretation guidelines (Richards et al. 2015 PMID: 25741868, with internal and published modifications).

Labcorp Genetics (formerly Invitae), Labcorp
Classification: Likely benign for Mevalonic aciduria; Hyperimmunoglobulin D with periodic fever; Porokeratosis 3, disseminated superficial actinic type. Last evaluated: 2025-10-21. Review status: criteria provided, single submitter. Criteria: Invitae Variant Classification Sherloc (09022015). Collection method: clinical testing. Allele origin: germline.